The following is an entry in ClinVar:

NM_145290.4(ADGRA3):c.2960A>G (p.Glu987Gly)

Gene: ADGRA3 (adhesion G protein-coupled receptor A3; minus strand). Cytogenetic location: 4p15.2.
Variant type: single nucleotide variant.
Coding change: c.2960A>G on transcript NM_145290.4 (MANE Select); coding-DNA position 2960, A replaced by G.
Protein change: p.Glu987Gly; replaces glutamic acid 987 with glycine.
Molecular consequence: missense variant.
Genome position (GRCh38, 1-based): chr4:22,388,711, T>C on the plus strand (A>G on the coding strand, the complement: ADGRA3 is on the minus strand). VCF-style: chr4-22388711-T-C. GRCh37 (hg19) VCF-style: chr4-22390334-T-C.
Other names: short protein forms E987G.
Identifiers: ClinVar variation 1907791 (VCV001907791.5), dbSNP rs1713962286, ClinGen allele CA356474456.

ClinVar aggregate classification (germline): Uncertain significance (1 of 4 stars; one submission).

Allele frequency attached by ClinVar (database versions not stated): TOPMed 0.00001.

Submission:

Labcorp Genetics (formerly Invitae), Labcorp
Classification: Uncertain significance. Last evaluated: 2022-03-23. Review status: criteria provided, single submitter. Criteria: Invitae Variant Classification Sherloc (09022015). Collection method: clinical testing. Allele origin: germline.
Comment: In summary, the available evidence is currently insufficient to determine the role of this variant in disease. Therefore, it has been classified as a Variant of Uncertain Significance. Algorithms developed to predict the effect of missense changes on protein structure and function output the following: SIFT: "Tolerated"; PolyPhen-2: "Benign"; Align-GVGD: "Class C0". The glycine amino acid residue is found in multiple mammalian species, which suggests that this missense change does not adversely affect protein function. This variant has not been reported in the literature in individuals affected with ADGRA3-related conditions. This variant is not present in population databases (gnomAD no frequency). This sequence change replaces glutamic acid, which is acidic and polar, with glycine, which is neutral and non-polar, at codon 987 of the ADGRA3 protein (p.Glu987Gly).